The following is an entry in ClinVar:

ClinVar aggregate classification (germline): Uncertain significance (1 of 4 stars; one submission).

Submission:

CeGaT Center for Human Genetics Tuebingen
Classification: Uncertain significance. Last evaluated: 2023-04-01. Review status: criteria provided, single submitter. Criteria: CeGaT Center For Human Genetics Tuebingen Variant Classification Criteria Version 2. Collection method: clinical testing. Allele origin: germline. Affected: yes. Observed: 1 variant allele.
Comment: GNAO1: PM2, BP4

NM_020988.3(GNAO1):c.723+6954G>A

Gene: GNAO1 (G protein subunit alpha o1; plus strand). Cytogenetic location: 16q13.
Variant type: single nucleotide variant.
Coding change: c.723+6954G>A on transcript NM_020988.3 (MANE Select); 6954 bases into the intron after coding-DNA position 723, G replaced by A.
Molecular consequence: intron variant. On other transcripts: missense variant (1).
Genome position (GRCh38, 1-based): chr16:56,343,814, G>A. VCF-style: chr16-56343814-G-A. GRCh37 (hg19) VCF-style: chr16-56377726-G-A.
Other names: c.929G>A, p.Ser310Asn (NM_138736.3); short protein forms S310N.
Identifiers: ClinVar variation 2646544 (VCV002646544.24), dbSNP rs2143683793, ClinGen allele CA395953512.
Genomic context (GRCh38, chr16:56,343,814, plus strand): 5'-GCTCTGCAGGCCCCAGCGCCTTCACAGAAGCCGTGGCTTACATCCAGGCCCAGTACGAGA[G>A]CAAGAACAAGTCAGCCCACAAAGAGATCTACACCCACGTCACCTGCGCCACGGACACCAA-3'